The following is an entry in ClinVar:

NM_033056.4(PCDH15):c.4630_4631del (p.Gln1544fs)

Gene: PCDH15 (protocadherin related 15; minus strand). Cytogenetic location: 10q21.1.
Variant type: Microsatellite.
Coding change: c.4630_4631del on transcript NM_033056.4 (MANE Plus Clinical); coding-DNA positions 4630 to 4631, 2 bases deleted (CA; older notation c.4630_4631delCA).
Protein change: p.Gln1544fs; shifts the reading frame from glutamine 1544.
Molecular consequence: frameshift variant. On other transcripts: intron variant (8).
Genome position (GRCh38, 1-based): chr10:53,823,095-53,823,096, TG deleted on the plus strand (CA on the coding strand, the reverse complement: PCDH15 is on the minus strand); deleting any 2 consecutive bases within chr10:53,823,095-53,823,098 gives the same sequence; the c. name uses the placement nearest the transcript's 3' end. VCF-style (leftmost placement, unchanged base first): chr10-53823094-CTG-C. GRCh37 (hg19) VCF-style: chr10-55582854-CTG-C.
Other names: c.4651_4652del, p.Gln1551fs (NM_001142763.2); c.4636_4637del, p.Gln1546fs (NM_001142764.2); c.4423_4424del, p.Gln1475fs (NM_001142765.2); c.4621_4622del, p.Gln1541fs (NM_001142766.2); c.4510_4511del, p.Gln1504fs (NM_001142767.2); c.4570_4571del, p.Gln1524fs (NM_001142768.2); c.4561_4562del, p.Gln1521fs (NM_001142773.2); c.4564_4565del, p.Gln1522fs (NM_001354404.2); and 6 more; short protein forms Q1541fs, Q1551fs, Q1544fs, Q1546fs, Q1475fs, Q1521fs, Q1504fs, Q1522fs.
Identifiers: ClinVar variation 2023935 (VCV002023935.4), dbSNP rs2492406160, ClinGen allele CA2580615481.

ClinVar aggregate classification (germline): Pathogenic (1 of 4 stars; one submission).

Submission:

Labcorp Genetics (formerly Invitae), Labcorp
Classification: Pathogenic. Last evaluated: 2022-08-13. Review status: criteria provided, single submitter. Criteria: Invitae Variant Classification Sherloc (09022015). Collection method: clinical testing. Allele origin: germline.
Comment: This variant has not been reported in the literature in individuals affected with PCDH15-related conditions. This sequence change creates a premature translational stop signal (p.Gln1544Glufs*17) in the PCDH15 gene. While this is not anticipated to result in nonsense mediated decay, it is expected to disrupt the last 412 amino acid(s) of the PCDH15 protein. This variant is not present in population databases (gnomAD no frequency). This variant disrupts a region of the PCDH15 protein in which other variant(s) (p.Gln1576*) have been determined to be pathogenic (PMID: 28281779). This suggests that this is a clinically significant region of the protein, and that variants that disrupt it are likely to be disease-causing. For these reasons, this variant has been classified as Pathogenic.

Literature cited by the submitters: PubMed 28281779.